The following is an entry in ClinVar:

ClinVar aggregate classification (germline): Uncertain significance (1 of 4 stars; one submission).

Submission:

GeneDx
Classification: Uncertain significance. Last evaluated: 2024-10-10. Review status: criteria provided, single submitter. Criteria: GeneDx Variant Classification Process June 2021. Collection method: clinical testing. Allele origin: germline. Affected: yes.
Comment: Not observed at significant frequency in large population cohorts (gnomAD); In silico analysis supports that this missense variant has a deleterious effect on protein structure/function; Has not been previously published as pathogenic or benign to our knowledge

NM_001374828.1(ARID1B):c.6658G>A (p.Asp2220Asn)

Gene: ARID1B (AT-rich interaction domain 1B; plus strand). Cytogenetic location: 6q25.3.
Variant type: single nucleotide variant.
Coding change: c.6658G>A on transcript NM_001374828.1 (MANE Select); coding-DNA position 6658, G replaced by A.
Protein change: p.Asp2220Asn; replaces aspartic acid 2220 with asparagine.
Molecular consequence: missense variant.
Genome position (GRCh38, 1-based): chr6:157,207,430, G>A. VCF-style: chr6-157207430-G-A. GRCh37 (hg19) VCF-style: chr6-157528564-G-A.
Other names: c.4159G>A, p.Asp1387Asn (NM_001363725.2); c.6538G>A, p.Asp2180Asn (NM_001371656.1, NM_001374820.1); c.6499G>A, p.Asp2167Asn (NM_017519.3); c.6289G>A (NM_020732.3); short protein forms D1387N, D2167N, D2180N, D2220N.
Identifiers: ClinVar variation 3777435 (VCV003777435.1).
Genomic context (GRCh38, chr6:157,207,430, plus strand): 5'-TCGCCTCAGAGACTTGTGCTGGAGACCCTCTGTAAACTCAGTATCCAGGACAATAATGTG[G>A]ACCTGATCTTGGCCACTCCTCCATTTAGTCGTCAGGAGAAATTCTATGCTACATTAGTTA-3'
Protein context (NP_001361757.1, residues 2210-2230): CKLSIQDNNV[Asp2220Asn]LILATPPFSR